The following is an entry in ClinVar:

ClinVar aggregate classification (germline): Likely benign (0 of 4 stars; one submission).

Conditions:
PKD1L1-related disorder. Also called: PKD1L1-related condition.

gnomAD v4.1: 1 of 1,582,946 alleles (0.000063%); highest among the groups gnomAD compares: African/African-American, 0.0014%; no homozygotes.

Submission:

PreventionGenetics, part of Exact Sciences
Classification: Likely benign for PKD1L1-related condition. Last evaluated: 2024-08-09. Review status: no assertion criteria provided. Collection method: clinical testing. Allele origin: germline.
Comment: This variant is classified as likely benign based on ACMG/AMP sequence variant interpretation guidelines (Richards et al. 2015 PMID: 25741868, with internal and published modifications).

NM_138295.5(PKD1L1):c.6855-4A>T

Gene: PKD1L1 (polycystin 1 like 1, transient receptor potential channel interacting; minus strand). Cytogenetic location: 7p12.3.
Variant type: single nucleotide variant.
Coding change: c.6855-4A>T on transcript NM_138295.5 (MANE Select); 4 bases into the intron before coding-DNA position 6855, A replaced by T.
Molecular consequence: intron variant.
Genome position (GRCh38, 1-based): chr7:47,821,190, T>A on the plus strand (A>T on the coding strand, the complement: PKD1L1 is on the minus strand). VCF-style: chr7-47821190-T-A. GRCh37 (hg19) VCF-style: chr7-47860788-T-A.
Identifiers: ClinVar variation 3346541 (VCV003346541.1).
Genomic context (GRCh38, chr7:47,821,190, plus strand): 5'-CTCCCATATATTACACACAAAAGCAGAAGCAGCATGAGGATGTCCATGGAAATGTCTCTG[T>A]AAGAAGAGTTTTTAAGTTAGCATCCATACAGACCCTGTATGTAGGTACCTGAGTGCTTCA-3'